The following is an entry in ClinVar:

ClinVar aggregate classification (germline): Likely pathogenic (1 of 4 stars; one submission).

Conditions:
Retinoblastoma (RB1). Also called: RETINOBLASTOMA, SOMATIC. Identifiers: Orphanet 790, MedGen C0035335, MeSH D012175, MONDO:0008380, OMIM 180200, HP:0009919. Disease mechanism: loss of function. Inheritance: Both sporadic and heritable forms are tested..

Submission:

Genetic Diagnostic Laboratory, University of Pennsylvania School of Medicine
Classification: Likely pathogenic for Retinoblastoma. Last evaluated: 2024-05-20. Review status: criteria provided, single submitter. Criteria: ACMG Guidelines, 2015. Collection method: clinical testing. Allele origin: germline. Affected: yes. Observed: 1 variant allele.
Comment: Case and Pedigree Information: BILATERAL CASES:1, UNILATERAL CASES:0, TOTAL CASES:1, PEDIGREES:1. ACMG Codes Applied:PM1, PM2

NM_000321.3(RB1):c.1346G>T (p.Gly449Val)

Gene: RB1 (RB transcriptional corepressor 1; plus strand). Cytogenetic location: 13q14.2.
Variant type: single nucleotide variant.
Coding change: c.1346G>T on transcript NM_000321.3 (MANE Select); coding-DNA position 1346, G replaced by T.
Protein change: p.Gly449Val; replaces glycine 449 with valine.
Molecular consequence: missense variant.
Genome position (GRCh38, 1-based): chr13:48,379,607, G>T. VCF-style: chr13-48379607-G-T. GRCh37 (hg19) VCF-style: chr13-48953743-G-T.
Other names: L11910:g.76443G>T; short protein forms G449V.
Identifiers: ClinVar variation 126836 (VCV000126836.2), dbSNP rs587778847, ClinGen allele CA026372.